The following is an entry in ClinVar:

NM_005751.5(AKAP9):c.6148G>C (p.Asp2050His)

Gene: AKAP9 (A-kinase anchoring protein 9; plus strand). Cytogenetic location: 7q21.2.
Variant type: single nucleotide variant.
Coding change: c.6148G>C on transcript NM_005751.5 (MANE Select); coding-DNA position 6148, G replaced by C.
Protein change: p.Asp2050His; replaces aspartic acid 2050 with histidine.
Molecular consequence: missense variant.
Genome position (GRCh38, 1-based): chr7:92,065,401, G>C. VCF-style: chr7-92065401-G-C. GRCh37 (hg19) VCF-style: chr7-91694715-G-C.
Other names: c.793G>C, p.Asp265His (NM_001379277.1); c.6148G>C, p.Asp2050His (NM_147185.3); short protein forms D2050H, D265H.
Identifiers: ClinVar variation 3517388 (VCV003517388.1).

ClinVar aggregate classification (germline): Uncertain significance (1 of 4 stars; one submission).

Conditions:
Cardiovascular phenotype. Identifiers: MedGen CN230736.

Submission:

Ambry Genetics
Classification: Uncertain significance for Cardiovascular phenotype. Last evaluated: 2024-11-30. Review status: criteria provided, single submitter. Criteria: Ambry Variant Classification Scheme 2023. Collection method: clinical testing. Allele origin: germline.
Comment: The p.D2050H variant (also known as c.6148G>C), located in coding exon 25 of the AKAP9 gene, results from a G to C substitution at nucleotide position 6148. The aspartic acid at codon 2050 is replaced by histidine, an amino acid with similar properties. This amino acid position is conserved. In addition, the in silico prediction for this alteration is inconclusive. Based on the available evidence, the clinical significance of this variant remains unclear.